The following is an entry in ClinVar:

ClinVar aggregate classification (germline): Uncertain significance. Review status: criteria provided, multiple submitters, no conflicts (2 of 4 stars). 5 submissions from 5 submitters: Uncertain significance (5). Last evaluated 2024-04-26.

Conditions:
RRAS-related disorder. Also called: RRAS-related condition.
Noonan syndrome (NS). Also called: Noonan's syndrome. Identifiers: Orphanet 648, MedGen C0028326, MeSH D009634, MONDO:0018997. Disease mechanism: gain of function.

Allele frequency attached by ClinVar (database versions not stated): gnomAD exomes below 0.00001 and 0.00001; gnomAD 0.00001; 1000 Genomes Project 30x 0.00016; 1000 Genomes Project 0.00020.
gnomAD v4.1: 4 of 1,612,906 alleles (0.00025%); highest among the groups gnomAD compares: East Asian, 0.0067%; no homozygotes.

Submissions (5):

Ambry Genetics
Classification: Uncertain significance. Last evaluated: 2024-04-26. Review status: criteria provided, single submitter. Criteria: Ambry Variant Classification Scheme 2023. Collection method: clinical testing. Allele origin: germline.
Comment: The p.S56C variant (also known as c.167C>G), located in coding exon 2 of the RRAS gene, results from a C to G substitution at nucleotide position 167. The serine at codon 56 is replaced by cysteine, an amino acid with dissimilar properties. This amino acid position is conserved. In addition, this alteration is predicted to be tolerated by in silico analysis. Based on the available evidence, the clinical significance of this variant remains unclear.

Women's Health and Genetics/Laboratory Corporation of America, LabCorp
Classification: Uncertain significance. Last evaluated: 2024-04-24. Review status: criteria provided, single submitter. Criteria: LabCorp Variant Classification Summary - May 2015. Collection method: clinical testing. Allele origin: germline.

St. Jude Molecular Pathology, St. Jude Children's Research Hospital
Classification: Uncertain significance for Noonan syndrome. Last evaluated: 2023-05-10. Review status: criteria provided, single submitter. Criteria: St. Jude Assertion Criteria 2020. Collection method: clinical testing. Allele origin: germline.
Comment: The RRAS c.167C>G (p.Ser56Cys) missense change has a maximum subpopulation frequency of 0.01% in gnomAD v2.1.1. The in silico tool REVEL is inconclusive about a pathogenic or benign effect of this variant on protein function, and to our knowledge functional studies have not been performed. To our knowledge, this variant has not been reported in individuals with Noonan syndrome. In summary, the evidence currently available is insufficient to determine the clinical significance of this variant. It has therefore been classified as of uncertain significance.

Department of Pathology and Laboratory Medicine, Sinai Health System
Classification: Uncertain significance for Rras-related disorder. Last evaluated: 2021-07-30. Review status: criteria provided, single submitter. Criteria: ACMG Guidelines, 2015. Collection method: research. Allele origin: germline.

Labcorp Genetics (formerly Invitae), Labcorp
Classification: Uncertain significance for Noonan syndrome. Last evaluated: 2018-01-24. Review status: criteria provided, single submitter. Criteria: Invitae Variant Classification Sherloc (09022015). Collection method: clinical testing. Allele origin: germline.
Comment: This sequence change replaces serine with cysteine at codon 56 of the RRAS protein (p.Ser56Cys). The serine residue is moderately conserved and there is a moderate physicochemical difference between serine and cysteine. This variant is not present in population databases (ExAC no frequency). This variant has not been reported in the literature in individuals with RRAS-related disease. Algorithms developed to predict the effect of missense changes on protein structure and function do not agree on the potential impact of this missense change (SIFT: "Deleterious"; PolyPhen-2: "Possibly Damaging"; Align-GVGD: "Class C0"). In summary, the available evidence is currently insufficient to determine the role of this variant in disease. Therefore, it has been classified as a Variant of Uncertain Significance.

NM_006270.5(RRAS):c.167C>G (p.Ser56Cys)

Gene: RRAS (RAS related; minus strand). Cytogenetic location: 19q13.33.
Variant type: single nucleotide variant.
Coding change: c.167C>G on transcript NM_006270.5 (MANE Select); coding-DNA position 167, C replaced by G.
Protein change: p.Ser56Cys; replaces serine 56 with cysteine.
Molecular consequence: missense variant.
Genome position (GRCh38, 1-based): chr19:49,637,117, G>C on the plus strand (C>G on the coding strand, the complement: RRAS is on the minus strand). VCF-style: chr19-49637117-G-C. GRCh37 (hg19) VCF-style: chr19-50140374-G-C.
Other names: c.167C>G (NM_006270.3); short protein forms S56C.
Identifiers: ClinVar variation 573868 (VCV000573868.5), dbSNP rs537601977, ClinGen allele CA309506382.